The following is an entry in ClinVar:

NM_002335.4(LRP5):c.4454_4465del (p.Ser1485_Ser1488del)

Gene: LRP5 (LDL receptor related protein 5; plus strand). Cytogenetic location: 11q13.2.
Variant type: Deletion.
Coding change: c.4454_4465del on transcript NM_002335.4 (MANE Select); coding-DNA positions 4454 to 4465, 12 bases deleted (GCTCGTCCAGCA).
Protein change: p.Ser1485_Ser1488del.
Molecular consequence: inframe deletion.
Genome position (GRCh38, 1-based): chr11:68,439,882-68,439,893, GCTCGTCCAGCA deleted; deleting any 12 consecutive bases within chr11:68,439,871-68,439,893 gives the same sequence; the c. name uses the placement nearest the transcript's 3' end. VCF-style (leftmost placement, unchanged base first): chr11-68439870-CCTCGTCCAGCAG-C. GRCh37 (hg19) VCF-style: chr11-68207338-CCTCGTCCAGCAG-C.
Other names: c.4454_4465del12 (NM_002335.3); c.2711_2722del, p.Ser904_Ser907del (NM_001291902.2).
Identifiers: ClinVar variation 985494 (VCV000985494.14), dbSNP rs774251511, ClinGen allele CA6150360.

ClinVar aggregate classification (germline): Uncertain significance. Review status: criteria provided, multiple submitters, no conflicts (2 of 4 stars). 7 submissions from 7 submitters: Uncertain significance (6). 1 of the submissions does not count toward it. Last evaluated 2025-06-25.

Conditions:
Inborn genetic diseases. Identifiers: MedGen C0950123, MeSH D030342.
Osteoporosis with pseudoglioma (OPPG). Also called: osteoporosis-pseudoglioma syndrome. Identifiers: Orphanet 2788, MedGen C0432252, MONDO:0009820, OMIM 259770.
Polycystic liver disease 4 with or without kidney cysts. Identifiers: MedGen C4693479, MONDO:0044327, OMIM 617875.
Worth disease. Also called: OSTEOSCLEROSIS, AUTOSOMAL DOMINANT; ENDOSTEAL HYPEROSTOSIS, AUTOSOMAL DOMINANT; Autosomal dominant osteosclerosis, Worth type. Identifiers: Orphanet 2790, MedGen C0432273, MONDO:0007764, OMIM 144750.
Exudative vitreoretinopathy 4 (EVR4). Identifiers: Orphanet 891, MedGen C1866176, MONDO:0011151, OMIM 601813.
Autosomal dominant osteopetrosis 1 (OPTA1). Also called: OSTEOPETROSIS, AUTOSOMAL DOMINANT, TYPE I. Identifiers: Orphanet 2783, MedGen C1843330, MONDO:0011877, OMIM 607634.
Exudative vitreoretinopathy 1 (EVR1). Also called: FEVR, AUTOSOMAL DOMINANT; Familial exudative vitreoretinopathy, autosomal dominant; CRISWICK-SCHEPENS SYNDROME. Identifiers: Orphanet 891, Orphanet 90050, MedGen C1851402, MONDO:0007589, OMIM 133780.
LRP5-related disorder. Also called: LRP5-related condition.
Retinal dystrophy. Also called: Inherited retinal dystrophy. Identifiers: Orphanet 71862, MedGen C0854723, MeSH D058499, MONDO:0019118, HP:0000556.
Osteoporosis. Identifiers: MedGen C0029456, MONDO:0005298, OMIM 166710, HP:0000939.
Bone mineral density quantitative trait locus 1 (BMND1). Identifiers: MedGen C1866079, OMIM 601884.

Submissions (7):

PreventionGenetics, part of Exact Sciences
Classification: Uncertain significance for LRP5-related condition. Last evaluated: 2025-06-25. Review status: criteria provided, single submitter. Criteria: ACMG Guidelines, 2015. Collection method: clinical testing. Allele origin: germline.
Comment: The LRP5 c.4454_4465del12 variant is predicted to result in an in-frame deletion (p.Ser1485_Ser1488del). This variant was reported, along with a second possible causative variant in LRP5, in an individual with retinal disease (supplementary data, Lin et al. 2024. PubMed ID: 38219857). This variant was also described in the heterozygous state in an individual with pregnancy-associated osteoporosis (Cook et al. 2014. PubMed ID: 24014470), although the variant did not segregate with disease in the family. This variant was also documented in the heterozygous state in an individual with familial exudative vitreoretinopathy (Kondo et al. 2024. PubMed ID: 38881609). This variant is reported in 0.040% of alleles in individuals of European (Finnish) descent in gnomAD. At this time, the clinical significance of this variant is uncertain due to the absence of conclusive functional and genetic evidence.

Labcorp Genetics (formerly Invitae), Labcorp
Classification: Uncertain significance. Last evaluated: 2025-06-23. Review status: criteria provided, single submitter. Criteria: Invitae Variant Classification Sherloc (09022015). Collection method: clinical testing. Allele origin: germline.
Comment: This variant, c.4454_4465del, results in the deletion of 4 amino acid(s) of the LRP5 protein (p.Ser1485_Ser1488del), but otherwise preserves the integrity of the reading frame. This variant is present in population databases (rs774251511, gnomAD 0.04%). This variant has been observed in individual(s) with retinal disease (PMID: 38219857). ClinVar contains an entry for this variant (Variation ID: 985494). This variant disrupts a region of the LRP5 protein in which other variant(s) (p.Ser1486Leu) have been observed in individuals with LRP5-related conditions (PMID: 30452590). This suggests that this is a clinically significant region of the protein, and that variants that disrupt it are likely to be disease-causing. In summary, the available evidence is currently insufficient to determine the role of this variant in disease. Therefore, it has been classified as a Variant of Uncertain Significance.

Blueprint Genetics
Classification: Uncertain significance. Last evaluated: 2024-11-23. Review status: criteria provided, single submitter. Criteria: ACMG Guidelines, 2015. Collection method: clinical testing. Allele origin: germline.

Department of Pathology and Laboratory Medicine, Sinai Health System
Classification: Uncertain significance for Exudative vitreoretinopathy 1; Worth disease; Osteoporosis with pseudoglioma; Exudative vitreoretinopathy 4; Autosomal dominant osteopetrosis 1; Polycystic liver disease 4 with or without kidney cysts. Last evaluated: 2022-02-16. Review status: criteria provided, single submitter. Criteria: ACMG Guidelines, 2015. Collection method: research. Allele origin: germline.

Fulgent Genetics
Classification: Uncertain significance for Exudative vitreoretinopathy 1; Worth disease; Osteoporosis; Osteoporosis with pseudoglioma; Exudative vitreoretinopathy 4; Bone mineral density quantitative trait locus 1; Autosomal dominant osteopetrosis 1; Polycystic liver disease 4 with or without kidney cysts. Last evaluated: 2021-07-24. Review status: criteria provided, single submitter. Criteria: ACMG Guidelines, 2015. Collection method: clinical testing. Allele origin: unknown.

Ambry Genetics
Classification: Uncertain significance for Inborn genetic diseases. Last evaluated: 2019-10-16. Review status: criteria provided, single submitter. Criteria: Ambry exome assertion method (8-5-2015). Collection method: clinical testing. Allele origin: germline. Affected: yes. Observed: 1 variant allele.

Institute of Human Genetics, Univ. Regensburg, Univ. Regensburg
Classification: Uncertain significance for Retinal dystrophy. Last evaluated: 2019-01-01. Review status: no assertion criteria provided. Criteria: ACMG Guidelines, 2015. Collection method: clinical testing. Allele origin: germline. Affected: yes. Not counted in ClinVar's aggregate classification.

Literature cited by the submitters: PubMed 38219857 (cited by Labcorp Genetics (formerly Invitae), Labcorp); PubMed 30452590 (cited by Labcorp Genetics (formerly Invitae), Labcorp).